The following is an entry in ClinVar:

NM_173630.4(RTTN):c.3261A>T (p.Glu1087Asp)

Gene: RTTN (rotatin; minus strand). Cytogenetic location: 18q22.2.
Variant type: single nucleotide variant.
Coding change: c.3261A>T on transcript NM_173630.4 (MANE Select); coding-DNA position 3261, A replaced by T.
Protein change: p.Glu1087Asp; replaces glutamic acid 1087 with aspartic acid.
Molecular consequence: missense variant.
Genome position (GRCh38, 1-based): chr18:70,127,624, T>A on the plus strand (A>T on the coding strand, the complement: RTTN is on the minus strand). VCF-style: chr18-70127624-T-A. GRCh37 (hg19) VCF-style: chr18-67794860-T-A.
Other names: c.525A>T, p.Glu175Asp (NM_001318520.2); short protein forms E1087D, E175D.
Identifiers: ClinVar variation 1487390 (VCV001487390.6), dbSNP rs1382410101, ClinGen allele CA402693539.

ClinVar aggregate classification (germline): Uncertain significance (1 of 4 stars; one submission).

Allele frequency attached by ClinVar (database versions not stated): gnomAD exomes below 0.00001.
gnomAD v4.1: 1 of 1,613,516 alleles (0.000062%); highest among the groups gnomAD compares: Admixed American, 0.0017%; no homozygotes.

Submission:

Labcorp Genetics (formerly Invitae), Labcorp
Classification: Uncertain significance. Last evaluated: 2021-11-08. Review status: criteria provided, single submitter. Criteria: Invitae Variant Classification Sherloc (09022015). Collection method: clinical testing. Allele origin: germline.
Comment: In summary, the available evidence is currently insufficient to determine the role of this variant in disease. Therefore, it has been classified as a Variant of Uncertain Significance. Algorithms developed to predict the effect of missense changes on protein structure and function output the following: SIFT: "Tolerated"; PolyPhen-2: "Benign"; Align-GVGD: "Class C0". The aspartic acid amino acid residue is found in multiple mammalian species, which suggests that this missense change does not adversely affect protein function. This variant has not been reported in the literature in individuals affected with RTTN-related conditions. This variant is present in population databases (no rsID available, gnomAD 0.003%). This sequence change replaces glutamic acid, which is acidic and polar, with aspartic acid, which is acidic and polar, at codon 1087 of the RTTN protein (p.Glu1087Asp).